The following is an entry in ClinVar:

NM_022041.4(GAN):c.1381G>A (p.Ala461Thr)

Gene: GAN (gigaxonin; plus strand). Cytogenetic location: 16q23.2.
Variant type: single nucleotide variant.
Coding change: c.1381G>A on transcript NM_022041.4 (MANE Select); coding-DNA position 1381, G replaced by A.
Protein change: p.Ala461Thr; replaces alanine 461 with threonine.
Molecular consequence: missense variant.
Genome position (GRCh38, 1-based): chr16:81,365,357, G>A. VCF-style: chr16-81365357-G-A. GRCh37 (hg19) VCF-style: chr16-81398962-G-A.
Other names: c.742G>A, p.Ala248Thr (NM_001377486.1); short protein forms A461T, A248T.
Identifiers: ClinVar variation 581073 (VCV000581073.12), dbSNP rs766155831, ClinGen allele CA8191751.

ClinVar aggregate classification (germline): Uncertain significance. Review status: criteria provided, multiple submitters, no conflicts (2 of 4 stars). 3 submissions from 3 submitters: Uncertain significance (3). Last evaluated 2025-11-09.

Conditions:
Inborn genetic diseases. Identifiers: MedGen C0950123, MeSH D030342.
Giant axonal neuropathy 1 (GAN1). Also called: GIANT AXONAL NEUROPATHY 1, AUTOSOMAL RECESSIVE; GAN-Related Neurodegeneration. Identifiers: Orphanet 643, MedGen C1850386, MONDO:0009749, OMIM 256850.

Allele frequency attached by ClinVar (database versions not stated): gnomAD exomes below 0.00001; TOPMed 0.00001; ExAC 0.00002.

Submissions (3):

Labcorp Genetics (formerly Invitae), Labcorp
Classification: Uncertain significance for Giant axonal neuropathy 1. Last evaluated: 2025-11-09. Review status: criteria provided, single submitter. Criteria: Invitae Variant Classification Sherloc (09022015). Collection method: clinical testing. Allele origin: germline.
Comment: This sequence change replaces alanine, which is neutral and non-polar, with threonine, which is neutral and polar, at codon 461 of the GAN protein (p.Ala461Thr). This variant is present in population databases (rs766155831, gnomAD 0.0009%). This variant has not been reported in the literature in individuals affected with GAN-related conditions. ClinVar contains an entry for this variant (Variation ID: 581073). Invitae Evidence Modeling of protein sequence and biophysical properties (such as structural, functional, and spatial information, amino acid conservation, physicochemical variation, residue mobility, and thermodynamic stability) indicates that this missense variant is not expected to disrupt GAN protein function with a negative predictive value of 80%. In summary, the available evidence is currently insufficient to determine the role of this variant in disease. Therefore, it has been classified as a Variant of Uncertain Significance.

Ambry Genetics
Classification: Uncertain significance for Inborn genetic diseases. Last evaluated: 2024-12-31. Review status: criteria provided, single submitter. Criteria: Ambry Variant Classification Scheme 2023. Collection method: clinical testing. Allele origin: germline.

GeneDx
Classification: Uncertain significance. Last evaluated: 2024-12-17. Review status: criteria provided, single submitter. Criteria: GeneDx Variant Classification Process June 2021. Collection method: clinical testing. Allele origin: germline. Affected: yes.
Comment: Not observed at significant frequency in large population cohorts (gnomAD); Missense variants in this gene are a common cause of disease and they are underrepresented in the general population; In silico analysis supports that this missense variant has a deleterious effect on protein structure/function; Has not been previously published as pathogenic or benign to our knowledge; This variant is associated with the following publications: (PMID: 27023907)